The following is an entry in ClinVar:

ClinVar aggregate classification (germline): Uncertain significance (1 of 4 stars; one submission).

Submission:

GeneDx
Classification: Uncertain significance. Last evaluated: 2024-10-24. Review status: criteria provided, single submitter. Criteria: GeneDx Variant Classification Process June 2021. Collection method: clinical testing. Allele origin: germline. Affected: yes.
Comment: Not observed at significant frequency in large population cohorts (gnomAD); In silico analysis supports that this missense variant has a deleterious effect on protein structure/function; Has not been previously published as pathogenic or benign to our knowledge

NM_003185.4(TAF4):c.3005G>A (p.Arg1002Gln)

Gene: TAF4 (TATA-box binding protein associated factor 4; minus strand). Cytogenetic location: 20q13.33.
Variant type: single nucleotide variant.
Coding change: c.3005G>A on transcript NM_003185.4 (MANE Select); coding-DNA position 3005, G replaced by A.
Protein change: p.Arg1002Gln; replaces arginine 1002 with glutamine.
Molecular consequence: missense variant.
Genome position (GRCh38, 1-based): chr20:61,997,635, C>T on the plus strand (G>A on the coding strand, the complement: TAF4 is on the minus strand). VCF-style: chr20-61997635-C-T. GRCh37 (hg19) VCF-style: chr20-60572691-C-T.
Other names: short protein forms R1002Q.
Identifiers: ClinVar variation 3893456 (VCV003893456.1).